The following is an entry in ClinVar:

ClinVar aggregate classification (germline): Uncertain significance (1 of 4 stars; one submission).

Allele frequency attached by ClinVar (database versions not stated): gnomAD 0.00001; TOPMed 0.00002; gnomAD exomes 0.00003.
gnomAD v4.1: 36 of 1,592,670 alleles (0.0023%); highest among the groups gnomAD compares: Non-Finnish European, 0.0031%; no homozygotes.

Submission:

Labcorp Genetics (formerly Invitae), Labcorp
Classification: Uncertain significance. Last evaluated: 2024-10-21. Review status: criteria provided, single submitter. Criteria: Invitae Variant Classification Sherloc (09022015). Collection method: clinical testing. Allele origin: germline.
Comment: This sequence change replaces valine, which is neutral and non-polar, with alanine, which is neutral and non-polar, at codon 344 of the DNA2 protein (p.Val344Ala). This variant is not present in population databases (gnomAD no frequency). This variant has not been reported in the literature in individuals affected with DNA2-related conditions. Invitae Evidence Modeling of protein sequence and biophysical properties (such as structural, functional, and spatial information, amino acid conservation, physicochemical variation, residue mobility, and thermodynamic stability) indicates that this missense variant is expected to disrupt DNA2 protein function with a positive predictive value of 80%. In summary, the available evidence is currently insufficient to determine the role of this variant in disease. Therefore, it has been classified as a Variant of Uncertain Significance.

NM_001080449.3(DNA2):c.1031T>C (p.Val344Ala)

Gene: DNA2 (DNA replication helicase/nuclease 2; minus strand). Cytogenetic location: 10q21.3.
Variant type: single nucleotide variant.
Coding change: c.1031T>C on transcript NM_001080449.3 (MANE Select); coding-DNA position 1031, T replaced by C.
Protein change: p.Val344Ala; replaces valine 344 with alanine.
Molecular consequence: missense variant. On other transcripts: non-coding transcript variant (1).
Genome position (GRCh38, 1-based): chr10:68,446,322, A>G on the plus strand (T>C on the coding strand, the complement: DNA2 is on the minus strand). VCF-style: chr10-68446322-A-G. GRCh37 (hg19) VCF-style: chr10-70206079-A-G.
Other names: short protein forms V344A.
Identifiers: ClinVar variation 2980422 (VCV002980422.3), dbSNP rs1468575878, ClinGen allele CA376862855.